The following is an entry in ClinVar:

ClinVar aggregate classification (germline): Benign/Likely benign. Review status: criteria provided, multiple submitters, no conflicts (2 of 4 stars). 7 submissions from 7 submitters: Benign (6); Likely benign (1). Last evaluated 2026-01-21.

Conditions:
Epidermolysis bullosa simplex, Ogna type (EBS5A). Also called: Pidermolysis bullosa simplex 5A, Ogna type; EPIDERMOLYSIS BULLOSA SIMPLEX 5A, OGNA TYPE. Identifiers: Orphanet 79401, MedGen C0432317, MONDO:0007555, OMIM 131950.
Epidermolysis bullosa simplex with nail dystrophy (EBS5D). Identifiers: MedGen C4225309, MONDO:0014661, OMIM 616487.
Autosomal recessive limb-girdle muscular dystrophy type 2Q (LGMDR17). Also called: MUSCULAR DYSTROPHY, LIMB-GIRDLE, AUTOSOMAL RECESSIVE 17. Identifiers: Orphanet 254361, MedGen C3150989, MONDO:0013390, OMIM 613723.
Epidermolysis bullosa simplex 5C, with pyloric atresia (EBS5C). Also called: Epidermolysis bullosa simplex with pyloric atresia; PLEC1-Related Epidermolysis Bullosa with Pyloric Atresia; PLEC-Related Epidermolysis Bullosa with Pyloric Atresia. Identifiers: Orphanet 158684, MedGen C2677349, MONDO:0012807, OMIM 612138.
Epidermolysis bullosa simplex 5B, with muscular dystrophy (EBS5B). Also called: Epidermolysis bullosa simplex with muscular dystrophy; EPIDERMOLYSIS BULLOSA SIMPLEX AND LIMB-GIRDLE MUSCULAR DYSTROPHY. Identifiers: Orphanet 257, MedGen C2931072, MONDO:0009181, OMIM 226670.
PLEC-related disorder. Also called: PLEC-related disorders; PLEC-related condition.

Allele frequency attached by ClinVar (database versions not stated): gnomAD 0.00006 and 0.00047; TOPMed 0.00007; ESP Exome Variant Server 0.00017; 1000 Genomes Project 30x 0.00265; ExAC 0.00271; 1000 Genomes Project 0.00300.

Submissions (7):

Labcorp Genetics (formerly Invitae), Labcorp
Classification: Benign for Autosomal recessive limb-girdle muscular dystrophy type 2Q; Epidermolysis bullosa simplex, Ogna type; Epidermolysis bullosa simplex with nail dystrophy; Epidermolysis bullosa simplex 5C, with pyloric atresia; Epidermolysis bullosa simplex 5B, with muscular dystrophy. Last evaluated: 2026-01-21. Review status: criteria provided, single submitter. Criteria: Invitae Variant Classification Sherloc (09022015). Collection method: clinical testing. Allele origin: germline.

PreventionGenetics, part of Exact Sciences
Classification: Benign for PLEC-related condition. Last evaluated: 2024-12-21. Review status: criteria provided, single submitter. Criteria: ACMG Guidelines, 2015. Collection method: clinical testing. Allele origin: germline.
Comment: This variant is classified as benign based on ACMG/AMP sequence variant interpretation guidelines (Richards et al. 2015 PMID: 25741868, with internal and published modifications).

Blueprint Genetics
Classification: Likely benign. Last evaluated: 2024-11-07. Review status: criteria provided, single submitter. Criteria: ACMG Guidelines, 2015. Collection method: clinical testing. Allele origin: germline.

CeGaT Center for Human Genetics Tuebingen
Classification: Benign. Last evaluated: 2023-12-01. Review status: criteria provided, single submitter. Criteria: CeGaT Center For Human Genetics Tuebingen Variant Classification Criteria Version 2. Collection method: clinical testing. Allele origin: germline. Affected: yes. Observed: 1 variant allele.
Comment: PLEC: BS1, BS2

Athena Diagnostics
Classification: Benign. Last evaluated: 2020-04-01. Review status: criteria provided, single submitter. Criteria: Athena Diagnostics Criteria. Collection method: clinical testing. Allele origin: unknown.

GeneDx
Classification: Benign. Last evaluated: 2017-10-16. Review status: criteria provided, single submitter. Criteria: GeneDx Variant Classification (06012015). Collection method: clinical testing. Allele origin: germline. Affected: yes.
Comment: This variant is considered likely benign or benign based on one or more of the following criteria: it is a conservative change, it occurs at a poorly conserved position in the protein, it is predicted to be benign by multiple in silico algorithms, and/or has population frequency not consistent with disease.

Eurofins Ntd Llc (ga)
Classification: Benign. Last evaluated: 2015-10-23. Review status: criteria provided, single submitter. Criteria: EGL Classification Definitions 2015. Collection method: clinical testing. Allele origin: germline. Observed: 1 variant allele, 1 heterozygote.

NM_201384.3(PLEC):c.6059A>C (p.Glu2020Ala)

Gene: PLEC (plectin; minus strand). Cytogenetic location: 8q24.3.
Variant type: single nucleotide variant.
Coding change: c.6059A>C on transcript NM_201384.3 (MANE Select); coding-DNA position 6059, A replaced by C.
Protein change: p.Glu2020Ala; replaces glutamic acid 2020 with alanine.
Molecular consequence: missense variant.
Genome position (GRCh38, 1-based): chr8:143,923,870, T>G on the plus strand (A>C on the coding strand, the complement: PLEC is on the minus strand). VCF-style: chr8-143923870-T-G. GRCh37 (hg19) VCF-style: chr8-144998038-T-G.
Other names: c.6140A>C, p.Glu2047Ala (NM_000445.5); c.6017A>C, p.Glu2006Ala (NM_201378.4); c.5993A>C, p.Glu1998Ala (NM_201379.3); c.6470A>C, p.Glu2157Ala (NM_201380.4); c.5963A>C, p.Glu1988Ala (NM_201381.3); c.6059A>C, p.Glu2020Ala (NM_201382.4); c.6071A>C, p.Glu2024Ala (NM_201383.3); short protein forms E2047A, E2006A, E2020A, E2024A, E2157A, E1988A, E1998A.
Identifiers: ClinVar variation 282270 (VCV000282270.39), dbSNP rs367662560, ClinGen allele CA4926126.